The following is an entry in ClinVar:

NM_007294.4(BRCA1):c.5264C>G (p.Ser1755Cys)

Gene: BRCA1 (BRCA1 DNA repair associated; minus strand). Cytogenetic location: 17q21.31.
Variant type: single nucleotide variant.
Coding change: c.5264C>G on transcript NM_007294.4 (MANE Select); coding-DNA position 5264, C replaced by G.
Protein change: p.Ser1755Cys; replaces serine 1755 with cysteine.
Molecular consequence: missense variant. On other transcripts: non-coding transcript variant (1).
Genome position (GRCh38, 1-based): chr17:43,057,065, G>C on the plus strand (C>G on the coding strand, the complement: BRCA1 is on the minus strand). VCF-style: chr17-43057065-G-C. GRCh37 (hg19) VCF-style: chr17-41209082-G-C.
Other names: c.5120C>G, p.Ser1707Cys (NM_001407945.1, NM_001407734.1, NM_001407735.1 and 21 more transcripts); c.4931C>G, p.Ser1644Cys (NM_001407946.1, NM_001407947.1, NM_001407948.1 and 1 more transcripts); c.4928C>G, p.Ser1643Cys (NM_001407950.1, NM_001407951.1, NM_001407952.1 and 3 more transcripts); c.4757C>G, p.Ser1586Cys (NM_001407965.1); c.4376C>G, p.Ser1459Cys (NM_001407966.1); c.4373C>G, p.Ser1458Cys (NM_001407967.1); c.2660C>G, p.Ser887Cys (NM_001407968.1); c.2657C>G, p.Ser886Cys (NM_001407969.1); and 72 more; short protein forms S1776C, S1708C, S1755C, S651C, S1601C, S1626C, S1628C, S1644C.
Identifiers: ClinVar variation 867908 (VCV000867908.3), dbSNP rs1555576858, ClinGen allele CA10591026.
Genomic context (GRCh38, chr17:43,057,065, plus strand): 5'-AGAGTGGTGGGGTGAGATTTTTGTCAACTTGAGGGAGGGAGCTTTACCTTTCTGTCCTGG[G>C]ATTCTCTTGCTCGCTTTGGACCTTGGTGGTTTCTTCCATTGACCACATCTCCTCTGACTT-3'
Protein context (NP_009225.1, residues 1745-1765): NHQGPKRARE[Ser1755Cys]QDRKIFRGLE

Conditions:
Breast-ovarian cancer, familial, susceptibility to, 1 (BROVCA1). Also called: BRCA1 Hereditary Breast and Ovarian Cancer; OVARIAN CANCER, SUSCEPTIBILITY TO. Identifiers: Orphanet 145, MedGen C2676676, MONDO:0011450, OMIM 604370. Disease mechanism: loss of function.

Submission:

Brotman Baty Institute, University of Washington
No classification provided (evidence only). Condition: Breast-ovarian cancer, familial 1. Review status: no classification provided. Collection method: in vitro. Allele origin: not applicable. Functional consequence: functionally_normal.
ClinVar note: "not provided" was previously submitted as the classification for the variant. However, the classification appeared to be based only on an observation of functional data so it was converted to no classification on 2025-07-30.